The following is an entry in ClinVar:

ClinVar aggregate classification (germline): Uncertain significance (1 of 4 stars; one submission).

Conditions:
Primary ciliary dyskinesia 30. Also called: CILIARY DYSKINESIA, PRIMARY, 30, WITH OR WITHOUT SITUS INVERSUS. Identifiers: Orphanet 244, MedGen C4015016, MONDO:0014465, OMIM 616037.

Allele frequency attached by ClinVar (database versions not stated): TOPMed below 0.00001; gnomAD 0.00001; gnomAD exomes 0.00001; ExAC 0.00004.
gnomAD v4.1: 16 of 1,575,046 alleles (0.001%); highest among the groups gnomAD compares: Non-Finnish European, 0.0011%; no homozygotes.

Submission:

Labcorp Genetics (formerly Invitae), Labcorp
Classification: Uncertain significance for Primary ciliary dyskinesia 30. Last evaluated: 2022-07-23. Review status: criteria provided, single submitter. Criteria: Invitae Variant Classification Sherloc (09022015). Collection method: clinical testing. Allele origin: germline.
Comment: This sequence change falls in intron 3 of the CCDC151 gene. It does not directly change the encoded amino acid sequence of the CCDC151 protein. It affects a nucleotide within the consensus splice site. The frequency data for this variant in the population databases is considered unreliable, as metrics indicate poor data quality at this position in the gnomAD database. This variant has not been reported in the literature in individuals affected with CCDC151-related conditions. Variants that disrupt the consensus splice site are a relatively common cause of aberrant splicing (PMID: 17576681, 9536098). Algorithms developed to predict the effect of sequence changes on RNA splicing suggest that this variant is not likely to affect RNA splicing. In summary, the available evidence is currently insufficient to determine the role of this variant in disease. Therefore, it has been classified as a Variant of Uncertain Significance.

Literature cited by the submitters: PubMed 17576681; PubMed 9536098.

NM_145045.5(ODAD3):c.445-3C>T

Gene: ODAD3 (outer dynein arm docking complex subunit 3; minus strand). Cytogenetic location: 19p13.2.
Variant type: single nucleotide variant.
Coding change: c.445-3C>T on transcript NM_145045.5 (MANE Select); 3 bases into the intron before coding-DNA position 445, C replaced by T.
Molecular consequence: intron variant.
Genome position (GRCh38, 1-based): chr19:11,427,043, G>A on the plus strand (C>T on the coding strand, the complement: ODAD3 is on the minus strand). VCF-style: chr19-11427043-G-A. GRCh37 (hg19) VCF-style: chr19-11537863-G-A.
Other names: c.283-3C>T (NM_001302453.1); c.367-3C>T (NM_001302454.2).
Identifiers: ClinVar variation 2043104 (VCV002043104.3), dbSNP rs745772940, ClinGen allele CA9212383.